The following is an entry in ClinVar:

ClinVar aggregate classification (germline): Likely benign. Review status: criteria provided, single submitter (1 of 4 stars). 2 submissions from 2 submitters: Likely benign (1). 1 of the submissions does not count toward it. Last evaluated 2025-11-25.

Conditions:
Bardet-Biedl syndrome (BBS). Identifiers: Orphanet 110, MedGen C0752166, MONDO:0015229.
BBS7-related disorder. Also called: BBS7-related condition.

Allele frequency attached by ClinVar (database versions not stated): gnomAD 0.00001; gnomAD exomes 0.00001 and 0.00002; ExAC 0.00002; TOPMed 0.00003.
gnomAD v4.1: 18 of 1,613,518 alleles (0.0011%); highest among the groups gnomAD compares: Admixed American, 0.0033%; no homozygotes.

Submissions (2):

Labcorp Genetics (formerly Invitae), Labcorp
Classification: Likely benign for Bardet-Biedl syndrome. Last evaluated: 2025-11-25. Review status: criteria provided, single submitter. Criteria: Invitae Variant Classification Sherloc (09022015). Collection method: clinical testing. Allele origin: germline.

PreventionGenetics, part of Exact Sciences
Classification: Likely benign for BBS7-related condition. Last evaluated: 2023-05-16. Review status: no assertion criteria provided. Collection method: clinical testing. Allele origin: germline. Not counted in ClinVar's aggregate classification.
Comment: This variant is classified as likely benign based on ACMG/AMP sequence variant interpretation guidelines (Richards et al. 2015 PMID: 25741868, with internal and published modifications).

NM_176824.3(BBS7):c.1917G>A (p.Thr639=)

Gene: BBS7 (Bardet-Biedl syndrome 7; minus strand). Cytogenetic location: 4q27.
Variant type: single nucleotide variant.
Coding change: c.1917G>A on transcript NM_176824.3 (MANE Select); coding-DNA position 1917, G replaced by A.
Protein change: p.Thr639=; no amino-acid change (threonine 639 retained).
Molecular consequence: synonymous variant.
Genome position (GRCh38, 1-based): chr4:121,828,243, C>T on the plus strand (G>A on the coding strand, the complement: BBS7 is on the minus strand). VCF-style: chr4-121828243-C-T. GRCh37 (hg19) VCF-style: chr4-122749398-C-T.
Other names: c.1917G>A, p.Thr639= (NM_018190.4); c.1917G>A (NM_176824.2).
Identifiers: ClinVar variation 1089033 (VCV001089033.9), dbSNP rs770239209, ClinGen allele CA3064090.